The following is an entry in ClinVar:

NM_000264.5(PTCH1):c.176C>T (p.Ala59Val)

Gene: PTCH1 (patched 1; minus strand). Cytogenetic location: 9q22.32.
Variant type: single nucleotide variant.
Coding change: c.176C>T on transcript NM_000264.5 (MANE Select); coding-DNA position 176, C replaced by T.
Protein change: p.Ala59Val; replaces alanine 59 with valine.
Molecular consequence: missense variant. On other transcripts: intron variant (3), non-coding transcript variant (1).
Genome position (GRCh38, 1-based): chr9:95,508,186, G>A on the plus strand (C>T on the coding strand, the complement: PTCH1 is on the minus strand). VCF-style: chr9-95508186-G-A. GRCh37 (hg19) VCF-style: chr9-98270468-G-A.
Other names: c.4-1587C>T (NM_001083602.3, NM_001354919.2); c.176C>T, p.Ala59Val (NM_001354918.2); c.199-1587C>T (NM_001083603.3); short protein forms A59V.
Identifiers: ClinVar variation 1779764 (VCV001779764.2), dbSNP rs2538402849, ClinGen allele CA374121289.
Genomic context (GRCh38, chr9:95,508,186, plus strand): 5'-GAAGAGAAAGTGGGAGGAGAGAGTCTGAAATGCACCTTGGAAATCTGCTCCAGAGCGAAG[G>A]CGGCGTCGCAGTAGCTGGGCCGGTGCAGATAGTCCCGGTCCGGCGCGGCAGCACGGCGCA-3'
Protein context (NP_000255.2, residues 49-69): YLHRPSYCDA[Ala59Val]FALEQISKGK

ClinVar aggregate classification (germline): Uncertain significance (1 of 4 stars; one submission).

Conditions:
Hereditary cancer-predisposing syndrome. Also called: Neoplastic Syndromes, Hereditary; Tumor predisposition; Hereditary Cancer Syndrome; Hereditary neoplastic syndrome. Identifiers: Orphanet 140162, MedGen C0027672, MeSH D009386, MONDO:0015356.

Submission:

Ambry Genetics
Classification: Uncertain significance for Hereditary cancer-predisposing syndrome. Last evaluated: 2017-11-03. Review status: criteria provided, single submitter. Criteria: Ambry Variant Classification Scheme 2023. Collection method: clinical testing. Allele origin: germline.
Comment: The p.A59V variant (also known as c.176C>T), located in coding exon 1 of the PTCH1 gene, results from a C to T substitution at nucleotide position 176. The alanine at codon 59 is replaced by valine, an amino acid with similar properties. This amino acid position is not well conserved in available vertebrate species. In addition, the in silico prediction for this alteration is inconclusive. Since supporting evidence is limited at this time, the clinical significance of this alteration remains unclear.